The following is an entry in ClinVar:

NM_000153.4(GALC):c.1586C>T (p.Thr529Met)

Gene: GALC (galactosylceramidase; minus strand). Cytogenetic location: 14q31.3.
Variant type: single nucleotide variant.
Coding change: c.1586C>T on transcript NM_000153.4 (MANE Select); coding-DNA position 1586, C replaced by T.
Protein change: p.Thr529Met; replaces threonine 529 with methionine.
Molecular consequence: missense variant.
Genome position (GRCh38, 1-based): chr14:87,945,637, G>A on the plus strand (C>T on the coding strand, the complement: GALC is on the minus strand). VCF-style: chr14-87945637-G-A. GRCh37 (hg19) VCF-style: chr14-88411981-G-A.
Other names: c.1517C>T, p.Thr506Met (NM_001201401.2); c.1508C>T, p.Thr503Met (NM_001201402.2); short protein forms T529M, T503M, T506M.
Identifiers: ClinVar variation 370073 (VCV000370073.74), dbSNP rs200960659, ClinGen allele CA7296976.

ClinVar aggregate classification (germline): Pathogenic/Likely pathogenic. Review status: criteria provided, multiple submitters, no conflicts (2 of 4 stars). 23 submissions from 23 submitters: Pathogenic (18); Likely pathogenic (1). 4 of the submissions do not count toward it. Last evaluated 2026-01-21.

Conditions:
GALC-related disorder. Also called: GALC-related condition.
GALC-related disorders.
Galactosylceramide beta-galactosidase deficiency. Also called: Leukodystrophy, Globoid Cell; GALACTOCEREBROSIDASE DEFICIENCY; GALC DEFICIENCY; GLOBOID CELL LEUKOENCEPHALOPATHY; Krabbe Disease. Identifiers: Orphanet 487, MedGen C0023521, MONDO:0009499, OMIM 245200.

Allele frequency attached by ClinVar (database versions not stated): ExAC 0.00007; gnomAD 0.00009; gnomAD exomes 0.00010 and 0.00011; TOPMed 0.00011; ESP Exome Variant Server 0.00025.
gnomAD v4.1: 168 of 1,609,134 alleles (0.01%); highest among the groups gnomAD compares: Non-Finnish European, 0.013%; no homozygotes.

Submissions 1 to 13 of 23:

Labcorp Genetics (formerly Invitae), Labcorp
Classification: Pathogenic for Galactosylceramide beta-galactosidase deficiency. Last evaluated: 2026-01-21. Review status: criteria provided, single submitter. Criteria: Invitae Variant Classification Sherloc (09022015). Collection method: clinical testing. Allele origin: germline.
Comment: This sequence change replaces threonine, which is neutral and polar, with methionine, which is neutral and non-polar, at codon 529 of the GALC protein (p.Thr529Met). This variant is present in population databases (rs200960659, gnomAD 0.02%). This missense change has been observed in individual(s) with Krabbe disease (PMID: 9266397, 9338580, 20135576, 20886637, 21824559, 23128445, 23197103). In at least one individual the data is consistent with being in trans (on the opposite chromosome) from a pathogenic variant. It has also been observed to segregate with disease in related individuals. This variant is also known as c.1538C>T (p.T513M). ClinVar contains an entry for this variant (Variation ID: 370073). Invitae Evidence Modeling of protein sequence and biophysical properties (such as structural, functional, and spatial information, amino acid conservation, physicochemical variation, residue mobility, and thermodynamic stability) indicates that this missense variant is expected to disrupt GALC protein function with a positive predictive value of 95%. Experimental studies have shown that this missense change affects GALC function (PMID: 26865610, 27126738). For these reasons, this variant has been classified as Pathogenic.

3billion
Classification: Pathogenic for Galactosylceramide beta-galactosidase deficiency. Last evaluated: 2026-01-08. Review status: criteria provided, single submitter. Criteria: ACMG Guidelines, 2015. Collection method: clinical testing. Allele origin: germline. Affected: yes.
Comment: The variant is observed at an extremely low frequency in the gnomAD v4.1.0 dataset (total allele frequency: 0.010%). Predicted Consequence/Location: Missense variant Functional studies provide strong evidence of the variant having a damaging effect on the gene or gene product (PMID: 26865610). In silico tool predictions suggest damaging effect of the variant on gene or gene product [REVEL: 0.76 (>=0.6, sensitivity 0.68 and specificity 0.92); 3Cnet: 0.84 (> 0.75, sensitivity 0.96 and precision 0.92)]. The same nucleotide change resulting in the same amino acid change has been previously reported as pathogenic/likely pathogenic with strong evidence (ClinVar ID: VCV000370073 /PMID: 9338580 /3billion dataset). Therefore, this variant is classified as Pathogenic according to the recommendation of ACMG/AMP guideline.

Natera, Inc.
Classification: Pathogenic for Galactosylceramide beta-galactosidase deficiency. Last evaluated: 2025-12-30. Review status: criteria provided, single submitter. Criteria: Natera Variant Classification Schema (03/2026). Collection method: clinical testing. Allele origin: germline.
Comment: The c.1586C>T variant in GALC is a missense variant predicted to cause substitution of threonine to methionine at amino acid 529. This variant is rare in the general population with a frequency below the threshold expected for the associated phenotype(s). This variant has been observed in one or more individuals affected with the associated recessive disease, as either homozygous or compound heterozygous with a second variant (PMID: 28598007, 20886637). Computational prediction algorithms indicate this variant is likely to affect gene or protein function. Given the available evidence, this variant is classified as Pathogenic.

Dasa
Classification: Pathogenic. Last evaluated: 2025-10-30. Review status: criteria provided, single submitter. Criteria: DASA Assertion Criteria. Collection method: clinical testing. Allele origin: germline.
Comment: NM_000153.4(GALC):c.1586C>T (p.Thr529Met) is a missense variant that results in the substitution of threonine with methionine. The affected residue or protein region has prior evidence supporting clinical relevance. Segregation evidence has been reported in affected families. This variant has been observed in affected individuals with related phenotype in a genotype context consistent with recessive disease (PMID: 20886637; PMID: 31240153; PMID: 32973651; PMID: 30777126). Functional evidence supports a deleterious effect on the gene or gene product (PMID: 20886637; PMID: 31240153; PMID: 32973651; PMID: 30777126). This variant has been recurrently observed in individuals with related phenotype (PMID: 20886637; PMID: 31240153; PMID: 32973651; PMID: 30777126). Multiple computational predictions support a deleterious effect on the gene or gene product. The variant is present at low frequency in population datasets. Based on the available data, this variant is classified as pathogenic.

GeneDx
Classification: Pathogenic. Last evaluated: 2025-09-25. Review status: criteria provided, single submitter. Criteria: GeneDx Variant Classification Process June 2021. Collection method: clinical testing. Allele origin: germline.
Comment: Published functional studies demonstrate that this variant impairs GALC processing, resulting in protein misfolding and disruption of trafficking from the ER and Golgi to the lysosome (PMID: 27126738, 26865610); In silico analysis supports that this missense variant has a deleterious effect on protein structure/function; Also known as p.(T513M); This variant is associated with the following publications: (PMID: 27126738, 23197103, 26865610, 31589614, 33726816, 32973651, 32005694, 37597066, 21285037, 9338580, 20886637, 28552323, 9266397, 31885218, 39333430, 21824559)

Variantyx, Inc.
Classification: Pathogenic for Galactosylceramide beta-galactosidase deficiency. Last evaluated: 2025-05-29. Review status: criteria provided, single submitter. Criteria: Variantyx Assertion Criteria 2022. Collection method: clinical testing. Allele origin: germline. Inheritance: Autosomal recessive inheritance. Affected: no.
Comment: This is a nonsynonymous variant in the GALC gene (OMIM: 606890). Pathogenic variants in this gene have been associated with autosomal recessive Krabbe disease. This variant has been identified in the homozygous or compound heterozygous state in multiple individuals reported in the published literature (PMID: 9338580, 31885218, 20135576, 21824559, 23128445, 32973651) (PM3). Functional studies have shown that this variant alters GALC protein function (PMID: 26865610, 27126738) (PS3). Multiple computational algorithms predict a deleterious effect for this variant (REVEL score: 0.755) (PP3). This variant has a 0.0134% maximum allele frequency in non-founder control populations (PM2). Based on the current evidence, this variant is classified as pathogenic for autosomal recessive Krabbe disease.No other variant of clinical significance was identified in the GALC gene. A single pathogenic variant in a gene associated with autosomal recessive disease is generally insufficient to cause disease. Therefore, this finding likely represents carrier status.

Center for Genomic Medicine, Rigshospitalet, Copenhagen University Hospital
Classification: Pathogenic. Last evaluated: 2025-03-04. Review status: criteria provided, single submitter. Criteria: ACMG Guidelines, 2015. Collection method: clinical testing. Allele origin: germline.

Revvity Omics, Revvity
Classification: Pathogenic. Last evaluated: 2024-12-09. Review status: criteria provided, single submitter. Criteria: ACMG Guidelines, 2015. Collection method: clinical testing. Allele origin: germline.

Blueprint Genetics
Classification: Pathogenic for GALC-related disorders. Last evaluated: 2023-08-16. Review status: criteria provided, single submitter. Criteria: ACMG Guidelines, 2015. Collection method: clinical testing. Allele origin: germline. Affected: yes. Observed: 5 variant alleles.

CeGaT Center for Human Genetics Tuebingen
Classification: Pathogenic. Last evaluated: 2021-11-01. Review status: criteria provided, single submitter. Criteria: CeGaT Center For Human Genetics Tuebingen Variant Classification Criteria Version 2. Collection method: clinical testing. Allele origin: germline. Affected: yes. Observed: 2 variant alleles.

Laboratorio de Genetica e Diagnostico Molecular, Hospital Israelita Albert Einstein
Classification: Pathogenic for Galactosylceramide beta-galactosidase deficiency. Last evaluated: 2021-04-20. Review status: criteria provided, single submitter. Criteria: ACMG Guidelines, 2015. Collection method: clinical testing. Allele origin: germline. Affected: yes.
Comment: ACMG classification criteria: PS4 moderate, PM2, PM3 very strong, PP1, PP3

Centre for Inherited Metabolic Diseases, Karolinska University Hospital
Classification: Pathogenic for Galactosylceramide beta-galactosidase deficiency. Last evaluated: 2021-03-31. Review status: criteria provided, single submitter. Criteria: ACMG Guidelines, 2015. Collection method: clinical testing. Allele origin: germline. Inheritance: Autosomal recessive inheritance. Affected: yes. Observed: 1 compound heterozygote.

Institute of Human Genetics, University of Leipzig Medical Center
Classification: Pathogenic for Galactosylceramide beta-galactosidase deficiency. Last evaluated: 2019-12-19. Review status: criteria provided, single submitter. Criteria: ACMG Guidelines, 2015. Collection method: clinical testing. Allele origin: germline. Affected: yes. Observed: 1 variant allele.